The following is an entry in ClinVar:

ClinVar aggregate classification (germline): Uncertain significance (1 of 4 stars; one submission).

Allele frequency attached by ClinVar (database versions not stated): gnomAD 0.00001; TOPMed 0.00001.

Submission:

Labcorp Genetics (formerly Invitae), Labcorp
Classification: Uncertain significance. Last evaluated: 2022-07-01. Review status: criteria provided, single submitter. Criteria: Invitae Variant Classification Sherloc (09022015). Collection method: clinical testing. Allele origin: germline.
Comment: This sequence change replaces glycine, which is neutral and non-polar, with glutamic acid, which is acidic and polar, at codon 3414 of the HSPG2 protein (p.Gly3414Glu). In summary, the available evidence is currently insufficient to determine the role of this variant in disease. Therefore, it has been classified as a Variant of Uncertain Significance. Algorithms developed to predict the effect of missense changes on protein structure and function are either unavailable or do not agree on the potential impact of this missense change (SIFT: "Deleterious"; PolyPhen-2: "Possibly Damaging"; Align-GVGD: "Class C0"). This variant has not been reported in the literature in individuals affected with HSPG2-related conditions. This variant is not present in population databases (gnomAD no frequency).

NM_005529.7(HSPG2):c.10241G>A (p.Gly3414Glu)

Gene: HSPG2 (heparan sulfate proteoglycan 2; minus strand). Cytogenetic location: 1p36.12.
Variant type: single nucleotide variant.
Coding change: c.10241G>A on transcript NM_005529.7 (MANE Select); coding-DNA position 10241, G replaced by A.
Protein change: p.Gly3414Glu; replaces glycine 3414 with glutamic acid.
Molecular consequence: missense variant.
Genome position (GRCh38, 1-based): chr1:21,836,916, C>T on the plus strand (G>A on the coding strand, the complement: HSPG2 is on the minus strand). VCF-style: chr1-21836916-C-T. GRCh37 (hg19) VCF-style: chr1-22163409-C-T.
Other names: c.10244G>A, p.Gly3415Glu (NM_001291860.2); short protein forms G3414E, G3415E.
Identifiers: ClinVar variation 1961468 (VCV001961468.5), dbSNP rs1165021216, ClinGen allele CA338910903.